The following is an entry in ClinVar:

NM_001164586.2(IGFN1):c.6036T>C (p.Ser2012=)

Gene: IGFN1 (immunoglobulin like and fibronectin type III domain containing 1; plus strand). Cytogenetic location: 1q32.1.
Variant type: single nucleotide variant.
Coding change: c.6036T>C on transcript NM_001164586.2 (MANE Select); coding-DNA position 6036, T replaced by C.
Protein change: p.Ser2012=; no amino-acid change (serine 2012 retained).
Molecular consequence: synonymous variant. On other transcripts: intron variant (1).
Genome position (GRCh38, 1-based): chr1:201,210,929, T>C. VCF-style: chr1-201210929-T-C. GRCh37 (hg19) VCF-style: chr1-201180057-T-C.
Other names: c.1242-2577T>C (NM_001367841.1).
Identifiers: ClinVar variation 3025844 (VCV003025844.22), dbSNP rs4915494, ClinGen allele CA35992422.
Genomic context (GRCh38, chr1:201,210,929, plus strand): 5'-AATGGATGAGGCAGGTTATAGGAAGGATTTGGGGGCTCCTGAGGGAATAGGTTCAGGGAG[T>C]AAGGCAGGTTTCAGGGATGGTTTAGGGGGTTCTGAAGAAATGCGGTCAATGGATGAGGCA-3'
Protein context (NP_001158058.1, residues 2002-2022): LGAPEGIGSG[Ser2012=]KAGFRDGLGG

ClinVar aggregate classification (germline): Likely benign (1 of 4 stars; one submission).

Submission:

CeGaT Center for Human Genetics Tuebingen
Classification: Likely benign. Last evaluated: 2024-01-01. Review status: criteria provided, single submitter. Criteria: CeGaT Center For Human Genetics Tuebingen Variant Classification Criteria Version 2. Collection method: clinical testing. Allele origin: germline. Affected: yes. Observed: 1 variant allele.
Comment: IGFN1: BP4, BP7